The following is an entry in ClinVar:

ClinVar aggregate classification (germline): Benign/Likely benign. Review status: criteria provided, multiple submitters, no conflicts (2 of 4 stars). 3 submissions from 3 submitters: Benign (1); Likely benign (2). Last evaluated 2025-03-21.

Conditions:
Familial thoracic aortic aneurysm and aortic dissection (TAAD). Also called: Thoracic aortic aneurysms and dissections. Identifiers: Orphanet 91387, MedGen C4707243, MONDO:0019625.
Hereditary cancer-predisposing syndrome. Also called: Hereditary neoplastic syndrome; Neoplastic Syndromes, Hereditary; Tumor predisposition; Hereditary Cancer Syndrome. Identifiers: Orphanet 140162, MedGen C0027672, MeSH D009386, MONDO:0015356.
Juvenile polyposis syndrome (JPS). Identifiers: Orphanet 2929, MedGen C0345893, MONDO:0017380, OMIM 174900.
Juvenile polyposis/hereditary hemorrhagic telangiectasia syndrome (JPHT). Also called: JP/HHT SYNDROME; JUVENILE POLYPOSIS WITH HEREDITARY HEMORRHAGIC TELANGIECTASIA; POLYPOSIS, GENERALIZED JUVENILE, WITH PULMONARY ARTERIOVENOUS MALFORMATION; TELANGIECTASIA, HEREDITARY HEMORRHAGIC, WITH JUVENILE POLYPOSIS COLI; Juvenile Polyposis Syndrome / Hereditary Hemorrhagic Telangiectasia (JPS/HHT). Identifiers: Orphanet 2929, MedGen C1832942, MONDO:0008278, OMIM 175050.

Allele frequency attached by ClinVar (database versions not stated): gnomAD exomes below 0.00001.
gnomAD v4.1: 1 of 1,589,430 alleles (0.000063%); highest among the groups gnomAD compares: South Asian, 0.0011%; no homozygotes.

Submissions (3):

Myriad Genetics, Inc.
Classification: Benign for Juvenile polyposis/hereditary hemorrhagic telangiectasia syndrome. Last evaluated: 2025-03-21. Review status: criteria provided, single submitter. Criteria: Myriad Autosomal Dominant, Autosomal Recessive and X-Linked Classification Criteria (2023). Collection method: clinical testing. Allele origin: unknown.
Comment: This variant is considered benign. This variant is a silent/synonymous amino acid change and it is not expected to impact splicing.

Labcorp Genetics (formerly Invitae), Labcorp
Classification: Likely benign for Juvenile polyposis syndrome. Last evaluated: 2024-10-30. Review status: criteria provided, single submitter. Criteria: Invitae Variant Classification Sherloc (09022015). Collection method: clinical testing. Allele origin: germline.

Ambry Genetics
Classification: Likely benign for Hereditary cancer-predisposing syndrome; Familial thoracic aortic aneurysm and aortic dissection. Last evaluated: 2022-02-08. Review status: criteria provided, single submitter. Criteria: Ambry Variant Classification Scheme 2023. Collection method: clinical testing. Allele origin: germline.

NM_005359.6(SMAD4):c.1290C>T (p.Tyr430=)

Gene: SMAD4 (SMAD family member 4; plus strand). Cytogenetic location: 18q21.2.
Variant type: single nucleotide variant.
Coding change: c.1290C>T on transcript NM_005359.6 (MANE Select); coding-DNA position 1290, C replaced by T.
Protein change: p.Tyr430=; no amino-acid change (tyrosine 430 retained).
Molecular consequence: synonymous variant. On other transcripts: non-coding transcript variant (1).
Genome position (GRCh38, 1-based): chr18:51,067,169, C>T. VCF-style: chr18-51067169-C-T. GRCh37 (hg19) VCF-style: chr18-48593539-C-T.
Other names: c.1290C>T, p.Tyr430= (NM_001407041.1, NM_001407042.1).
Identifiers: ClinVar variation 1769091 (VCV001769091.5), dbSNP rs2144452826, ClinGen allele CA503874288.